The following is an entry in ClinVar:

ClinVar aggregate classification (germline): Likely benign. Review status: criteria provided, multiple submitters, no conflicts (2 of 4 stars). 2 submissions from 2 submitters: Likely benign (2). Last evaluated 2026-04-01.

Conditions:
Familial thoracic aortic aneurysm and aortic dissection (TAAD). Also called: Thoracic aortic aneurysms and dissections. Identifiers: Orphanet 91387, MedGen C4707243, MONDO:0019625.

Submissions (2):

CeGaT Center for Human Genetics Tuebingen
Classification: Likely benign. Last evaluated: 2026-04-01. Review status: criteria provided, single submitter. Criteria: CeGaT Center For Human Genetics Tuebingen Variant Classification Criteria Version 2. Collection method: clinical testing. Allele origin: germline. Affected: yes. Observed: 1 variant allele.
Comment: MED12: PM2:Supporting, BP4, BP7

Ambry Genetics
Classification: Likely benign for Familial thoracic aortic aneurysm and aortic dissection. Last evaluated: 2023-02-05. Review status: criteria provided, single submitter. Criteria: Ambry Variant Classification Scheme 2023. Collection method: clinical testing. Allele origin: germline.

NM_005120.3(MED12):c.5163G>A (p.Gln1721=)

Gene: MED12 (mediator complex subunit 12; plus strand). Cytogenetic location: Xq13.1.
Variant type: single nucleotide variant.
Coding change: c.5163G>A on transcript NM_005120.3 (MANE Select); coding-DNA position 5163, G replaced by A.
Protein change: p.Gln1721=; no amino-acid change (glutamine 1721 retained).
Molecular consequence: synonymous variant.
Genome position (GRCh38, 1-based): chrX:71,136,418, G>A. VCF-style: chrX-71136418-G-A. GRCh37 (hg19) VCF-style: chrX-70356268-G-A.
Identifiers: ClinVar variation 2450607 (VCV002450607.4), dbSNP rs2519711176, ClinGen allele CA516819757.